The following is an entry in ClinVar:

NM_015046.7(SETX):c.6058A>G (p.Ile2020Val)

Gene: SETX (senataxin; minus strand). Cytogenetic location: 9q34.13.
Variant type: single nucleotide variant.
Coding change: c.6058A>G on transcript NM_015046.7 (MANE Select); coding-DNA position 6058, A replaced by G.
Protein change: p.Ile2020Val; replaces isoleucine 2020 with valine.
Molecular consequence: missense variant.
Genome position (GRCh38, 1-based): chr9:132,295,920, T>C on the plus strand (A>G on the coding strand, the complement: SETX is on the minus strand). VCF-style: chr9-132295920-T-C. GRCh37 (hg19) VCF-style: chr9-135171307-T-C.
Other names: c.6058A>G, p.Ile2020Val (NM_001351527.2, NM_001351528.2); short protein forms I2020V.
Identifiers: ClinVar variation 640104 (VCV000640104.11), dbSNP rs546932016, ClinGen allele CA5296845.

ClinVar aggregate classification (germline): Conflicting classifications of pathogenicity. Review status: criteria provided, conflicting classifications (1 of 4 stars). 2 submissions from 2 submitters: Uncertain significance (1); Benign (1). Last evaluated 2025-01-13.

Conditions:
Amyotrophic lateral sclerosis type 4 (ALS4). Also called: NEURONOPATHY, DISTAL HEREDITARY MOTOR, WITH PYRAMIDAL FEATURES; AMYOTROPHIC LATERAL SCLEROSIS 4, JUVENILE. Identifiers: Orphanet 357043, MedGen C1865409, MONDO:0011223, OMIM 602433.
Spinocerebellar ataxia, autosomal recessive, with axonal neuropathy 2 (SCAN2). Also called: ATAXIA-OCULOMOTOR APRAXIA 2; Ataxia-ocular apraxia-2; Ataxia with Oculomotor Apraxia Type 2; Ataxia with Oculomotor Apraxia. Identifiers: Orphanet 64753, MedGen C1853761, MONDO:0018996, OMIM 606002.
Inborn genetic diseases. Identifiers: MedGen C0950123, MeSH D030342.

Allele frequency attached by ClinVar (database versions not stated): gnomAD 0.00001; gnomAD exomes 0.00001 and 0.00004; TOPMed 0.00001; ExAC 0.00004; 1000 Genomes Project 30x 0.00016; 1000 Genomes Project 0.00020.
gnomAD v4.1: 19 of 1,613,860 alleles (0.0012%); highest among the groups gnomAD compares: East Asian, 0.04%; no homozygotes.

Submissions (2):

Labcorp Genetics (formerly Invitae), Labcorp
Classification: Benign for Amyotrophic lateral sclerosis type 4; Spinocerebellar ataxia, autosomal recessive, with axonal neuropathy 2. Last evaluated: 2025-01-13. Review status: criteria provided, single submitter. Criteria: Invitae Variant Classification Sherloc (09022015). Collection method: clinical testing. Allele origin: germline.

Ambry Genetics
Classification: Uncertain significance for Inborn genetic diseases. Last evaluated: 2023-08-01. Review status: criteria provided, single submitter. Criteria: Ambry Variant Classification Scheme 2023. Collection method: clinical testing. Allele origin: germline.
Comment: Unlikely to be causative of SETX-related juvenile amyotrophic lateral sclerosis (AD) Based on insufficient or conflicting evidence, the clinical significance of this alteration remains unclear.

Literature cited by the submitters: PubMed 32166880 (cited by Ambry Genetics).